The following is an entry in ClinVar:

NM_002332.3(LRP1):c.6016G>T (p.Gly2006Cys)

Gene: LRP1 (LDL receptor related protein 1; plus strand). Cytogenetic location: 12q13.3.
Variant type: single nucleotide variant.
Coding change: c.6016G>T on transcript NM_002332.3 (MANE Select); coding-DNA position 6016, G replaced by T.
Protein change: p.Gly2006Cys; replaces glycine 2006 with cysteine.
Molecular consequence: missense variant.
Genome position (GRCh38, 1-based): chr12:57,184,171, G>T. VCF-style: chr12-57184171-G-T. GRCh37 (hg19) VCF-style: chr12-57577954-G-T.
Other names: short protein forms G2006C.
Identifiers: ClinVar variation 2692438 (VCV002692438.1), dbSNP rs2548074280, ClinGen allele CA385425326.

ClinVar aggregate classification (germline): Uncertain significance (1 of 4 stars; one submission).

Submission:

Greenwood Genetic Center Diagnostic Laboratories, Greenwood Genetic Center
Classification: Uncertain significance. Last evaluated: 2023-11-06. Review status: criteria provided, single submitter. Criteria: ACMG Guidelines, 2015. Collection method: clinical testing. Allele origin: germline. Affected: yes.
Comment: Gene of Uncertain Significance for Autism